The following is an entry in ClinVar:

NM_000051.3:c.5889_5890insALU

Gene: ATM (ATM serine/threonine kinase; plus strand).
Variant type: Insertion.
Identifiers: ClinVar variation 1750287 (VCV001750287.3).

ClinVar aggregate classification (germline): Likely pathogenic (1 of 4 stars; one submission).

Conditions:
Hereditary cancer-predisposing syndrome. Also called: Hereditary Cancer Syndrome; Hereditary neoplastic syndrome; Neoplastic Syndromes, Hereditary; Tumor predisposition. Identifiers: Orphanet 140162, MedGen C0027672, MeSH D009386, MONDO:0015356.

Submission:

Ambry Genetics
Classification: Likely pathogenic for Hereditary cancer-predisposing syndrome. Last evaluated: 2024-06-04. Review status: criteria provided, single submitter. Criteria: Ambry Variant Classification Scheme 2023. Collection method: clinical testing. Allele origin: germline.
Comment: The c.5889_5890insAlu likely pathogenic variant results from the insertion of an Alu element between nucleotides 5889 and 5890 in coding exon 38 of the ATM gene. Mobile element insertions contribute to pathogenicity by either disrupting the coding sequence or inducing aberrant splicing (Belancio VP et al. Semin. Cancer Biol. 2010 Aug;20:200-10; Deininger P et al. Genome Biol. 2011 Dec;12:236; van der Klift HM. Hum Mutat. 2012 Jul;33(7):1051-5). Based on the majority of available evidence to date, this variant is likely to be pathogenic.